The following is an entry in ClinVar:

NM_182710.3(KAT5):c.540G>A (p.Thr180=)

Gene: KAT5 (lysine acetyltransferase 5; plus strand). Cytogenetic location: 11q13.1.
Variant type: single nucleotide variant.
Coding change: c.540G>A on transcript NM_182710.3 (MANE Select); coding-DNA position 540, G replaced by A.
Protein change: p.Thr180=; no amino-acid change (threonine 180 retained).
Molecular consequence: synonymous variant. On other transcripts: intron variant (2).
Genome position (GRCh38, 1-based): chr11:65,713,503, G>A. VCF-style: chr11-65713503-G-A. GRCh37 (hg19) VCF-style: chr11-65480974-G-A.
Other names: c.441G>A, p.Thr147= (NM_006388.4); c.385-90G>A (NM_001206833.2); c.286-90G>A (NM_182709.3).
Identifiers: ClinVar variation 3236591 (VCV003236591.1), dbSNP rs1324503935, ClinGen allele CA475472096.

ClinVar aggregate classification (germline): Uncertain significance (1 of 4 stars; one submission).

Conditions:
Neurodevelopmental disorder with dysmorphic facies, sleep disturbance, and brain abnormalities. Identifiers: MedGen C5436821, MONDO:0030852, OMIM 619103.

Allele frequency attached by ClinVar (database versions not stated): gnomAD exomes below 0.00001; TOPMed 0.00001.

Submission:

Clinical Genomics Laboratory, Washington University in St. Louis
Classification: Uncertain significance for Neurodevelopmental disorder with dysmorphic facies, sleep disturbance, and brain abnormalities. Last evaluated: 2023-12-01. Review status: criteria provided, single submitter. Criteria: ACMG Guidelines, 2015. Collection method: clinical testing. Allele origin: germline.
Comment: The KAT5 c.540G>A (p.Thr180=) variant, to our knowledge, has not been reported in the medical literature and is absent from the general population (gnomAD v.2.1.1), indicating it is not a common variant. This variant occurs in the last nucleotide of the exon, a position that is highly conserved, and computational predictors indicate that this variant would alter splicing, evidence that correlates to an impact of this variant on KAT5 function; however, it is unclear the effect of altered splicing on protein function. Due to limited information, the clinical significance of this variant is uncertain.